The following is an entry in ClinVar:

ClinVar aggregate classification (germline): Uncertain significance. Review status: criteria provided, multiple submitters, no conflicts (2 of 4 stars). 2 submissions from 2 submitters: Uncertain significance (2). Last evaluated 2025-08-02.

Conditions:
Inborn genetic diseases. Identifiers: MedGen C0950123, MeSH D030342.

Submissions (2):

Ambry Genetics
Classification: Uncertain significance for Inborn genetic diseases. Last evaluated: 2025-08-02. Review status: criteria provided, single submitter. Criteria: Ambry Variant Classification Scheme 2023. Collection method: clinical testing. Allele origin: germline.

Labcorp Genetics (formerly Invitae), Labcorp
Classification: Uncertain significance. Last evaluated: 2024-08-24. Review status: criteria provided, single submitter. Criteria: Invitae Variant Classification Sherloc (09022015). Collection method: clinical testing. Allele origin: germline.
Comment: This sequence change replaces glycine, which is neutral and non-polar, with valine, which is neutral and non-polar, at codon 417 of the RTTN protein (p.Gly417Val). This variant is not present in population databases (gnomAD no frequency). This variant has not been reported in the literature in individuals affected with RTTN-related conditions. Invitae Evidence Modeling of protein sequence and biophysical properties (such as structural, functional, and spatial information, amino acid conservation, physicochemical variation, residue mobility, and thermodynamic stability) indicates that this missense variant is not expected to disrupt RTTN protein function with a negative predictive value of 80%. In summary, the available evidence is currently insufficient to determine the role of this variant in disease. Therefore, it has been classified as a Variant of Uncertain Significance.

NM_173630.4(RTTN):c.1250G>T (p.Gly417Val)

Gene: RTTN (rotatin; minus strand). Cytogenetic location: 18q22.2.
Variant type: single nucleotide variant.
Coding change: c.1250G>T on transcript NM_173630.4 (MANE Select); coding-DNA position 1250, G replaced by T.
Protein change: p.Gly417Val; replaces glycine 417 with valine.
Molecular consequence: missense variant. On other transcripts: 5 prime UTR variant (1).
Genome position (GRCh38, 1-based): chr18:70,188,163, C>A on the plus strand (G>T on the coding strand, the complement: RTTN is on the minus strand). VCF-style: chr18-70188163-C-A. GRCh37 (hg19) VCF-style: chr18-67855399-C-A.
Other names: c.-1304G>T (NM_001318520.2); c.1250G>T (NM_173630.3); short protein forms G417V.
Identifiers: ClinVar variation 3628343 (VCV003628343.3).